The following is an entry in ClinVar:

NM_001174089.2(SLC4A11):c.672G>T (p.Trp224Cys)

Gene: SLC4A11 (solute carrier family 4 member 11; minus strand). Cytogenetic location: 20p13.
Variant type: single nucleotide variant.
Coding change: c.672G>T on transcript NM_001174089.2 (MANE Select); coding-DNA position 672, G replaced by T.
Protein change: p.Trp224Cys; replaces tryptophan 224 with cysteine.
Molecular consequence: missense variant. On other transcripts: non-coding transcript variant (3).
Genome position (GRCh38, 1-based): chr20:3,233,571, C>A on the plus strand (G>T on the coding strand, the complement: SLC4A11 is on the minus strand). VCF-style: chr20-3233571-C-A. GRCh37 (hg19) VCF-style: chr20-3214217-C-A.
Other names: c.801G>T, p.Trp267Cys (NM_001174090.2, NM_001400280.1); c.672G>T, p.Trp224Cys (NM_001363745.2); c.615G>T, p.Trp205Cys (NM_001400277.1, NM_001400278.1, NM_001400279.1); c.720G>T, p.Trp240Cys (NM_032034.4); short protein forms W224C, W267C, W240C, W205C.
Identifiers: ClinVar variation 2853847 (VCV002853847.3), dbSNP rs772916997, ClinGen allele CA408092633.

ClinVar aggregate classification (germline): Uncertain significance (1 of 4 stars; one submission).

Allele frequency attached by ClinVar (database versions not stated): TOPMed below 0.00001.
gnomAD v4.1: 8 of 1,613,698 alleles (0.0005%); highest among the groups gnomAD compares: Admixed American, 0.012%; no homozygotes.

Submission:

Labcorp Genetics (formerly Invitae), Labcorp
Classification: Uncertain significance. Last evaluated: 2023-04-09. Review status: criteria provided, single submitter. Criteria: Invitae Variant Classification Sherloc (09022015). Collection method: clinical testing. Allele origin: germline.
Comment: In summary, the available evidence is currently insufficient to determine the role of this variant in disease. Therefore, it has been classified as a Variant of Uncertain Significance. Advanced modeling of protein sequence and biophysical properties (such as structural, functional, and spatial information, amino acid conservation, physicochemical variation, residue mobility, and thermodynamic stability) has been performed at Invitae for this missense variant, however the output from this modeling did not meet the statistical confidence thresholds required to predict the impact of this variant on SLC4A11 protein function. This variant has not been reported in the literature in individuals affected with SLC4A11-related conditions. This variant is not present in population databases (gnomAD no frequency). This sequence change replaces tryptophan, which is neutral and slightly polar, with cysteine, which is neutral and slightly polar, at codon 240 of the SLC4A11 protein (p.Trp240Cys).